The following is an entry in ClinVar:

NM_000059.4(BRCA2):c.5650dup (p.Ile1884fs)

Gene: BRCA2 (BRCA2 DNA repair associated; plus strand). Cytogenetic location: 13q13.1.
Variant type: Duplication.
Coding change: c.5650dup on transcript NM_000059.4 (MANE Select); coding-DNA position 5650, one base duplicated (A; older notation c.5650dupA).
Protein change: p.Ile1884fs; shifts the reading frame from isoleucine 1884.
Molecular consequence: frameshift variant.
Genome position (GRCh38, 1-based): chr13:32,340,005, A duplicated; the last of 5 consecutive A bases (chr13:32,340,001-32,340,005); duplicating any one gives the same sequence. VCF-style (leftmost placement, unchanged base first): chr13-32340000-C-CA. GRCh37 (hg19) VCF-style: chr13-32914137-C-CA.
Other names: c.5650dupA (NM_000059.3); short protein forms I1884fs.
Identifiers: ClinVar variation 548378 (VCV000548378.1), dbSNP rs1555284330, ClinGen allele CA658823658.

ClinVar aggregate classification (germline): Pathogenic (3 of 4 stars; one submission).

Conditions:
Breast-ovarian cancer, familial, susceptibility to, 2 (BROVCA2). Also called: BRCA2 Hereditary Breast and Ovarian Cancer. Identifiers: Orphanet 145, MedGen C2675520, MONDO:0012933, OMIM 612555. Disease mechanism: loss of function.

Submission:

Evidence-based Network for the Interpretation of Germline Mutant Alleles (ENIGMA)
Classification: Pathogenic for Breast-ovarian cancer, familial, susceptibility to, 2. Last evaluated: 2017-12-15. Review status: reviewed by expert panel. Criteria: ENIGMA BRCA1/2 Classification Criteria (2017-06-29). Collection method: curation. Allele origin: germline. Study: ENIGMA.
Comment: Variant allele predicted to encode a truncated non-functional protein.